The following is an entry in ClinVar:

ClinVar aggregate classification (germline): Uncertain significance (1 of 4 stars; one submission).

Submission:

Greenwood Genetic Center Diagnostic Laboratories, Greenwood Genetic Center
Classification: Uncertain significance. Last evaluated: 2024-01-02. Review status: criteria provided, single submitter. Criteria: ACMG Guidelines, 2015. Collection method: clinical testing. Allele origin: germline. Affected: yes.
Comment: PM2, PP3

NM_014921.5(ADGRL1):c.395-3628G>C

Genes: ADGRL1 (adhesion G protein-coupled receptor L1; minus strand), ADGRL1-AS1 (ADGRL1 antisense RNA 1; plus strand). Cytogenetic location: 19p13.12.
Variant type: single nucleotide variant.
Coding change: c.395-3628G>C on transcript NM_014921.5 (MANE Select); 3628 bases into the intron before coding-DNA position 395, G replaced by C.
Molecular consequence: intron variant.
Genome position (GRCh38, 1-based): chr19:14,167,034, C>G on the plus strand (G>C on the coding strand, the complement: ADGRL1 is on the minus strand). VCF-style: chr19-14167034-C-G. GRCh37 (hg19) VCF-style: chr19-14277846-C-G.
Other names: c.395-4G>C (NM_001008701.3).
Identifiers: ClinVar variation 3235844 (VCV003235844.1), dbSNP rs1970038787, ClinGen allele CA2825002757.